The following is an entry in ClinVar:

NC_000016.9:g.(?_89836805)_(89883033_?)del

Gene: FANCA (FA complementation group A; minus strand). Cytogenetic location: 16q24.3.
Variant type: Deletion.
Identifiers: ClinVar variation 2422405 (VCV002422405.4).

ClinVar aggregate classification (germline): Pathogenic (1 of 4 stars; one submission).

Conditions:
Fanconi anemia (FA). Also called: Fanconi's anemia. Identifiers: Orphanet 84, MedGen C0015625, MeSH D005199, MONDO:0019391.

Submission:

Labcorp Genetics (formerly Invitae), Labcorp
Classification: Pathogenic for Fanconi anemia. Last evaluated: 2022-09-14. Review status: criteria provided, single submitter. Criteria: Invitae Variant Classification Sherloc (09022015). Collection method: clinical testing. Allele origin: germline.
Comment: For these reasons, this variant has been classified as Pathogenic. A similar copy number variant has been observed in individual(s) with Fanconi anemia (PMID: 31558676). This variant is a gross deletion of the genomic region encompassing exon(s) 1-24 of the FANCA gene, which includes the initiator codon. This deletion extends beyond the assayed region for this gene and therefore may encompass additional genes. It is expected to result in an absent or disrupted protein product. Loss-of-function variants in FANCA are known to be pathogenic (PMID: 19367192).

Literature cited by the submitters: PubMed 31558676; PubMed 19367192.